The following is an entry in ClinVar:

ClinVar aggregate classification (germline): Uncertain significance (1 of 4 stars; one submission).

gnomAD v4.1: 2 of 1,614,152 alleles (0.00012%); highest among the groups gnomAD compares: Non-Finnish European, 0.00017%; no homozygotes.

Submission:

Labcorp Genetics (formerly Invitae), Labcorp
Classification: Uncertain significance. Last evaluated: 2024-12-10. Review status: criteria provided, single submitter. Criteria: Invitae Variant Classification Sherloc (09022015). Collection method: clinical testing. Allele origin: germline.
Comment: This sequence change replaces valine, which is neutral and non-polar, with alanine, which is neutral and non-polar, at codon 91 of the MRAS protein (p.Val91Ala). This variant is present in population databases (no rsID available, gnomAD 0.0009%). This variant has not been reported in the literature in individuals affected with MRAS-related conditions. An algorithm developed to predict the effect of missense changes on protein structure and function (PolyPhen-2) suggests that this variant is likely to be disruptive. In summary, the available evidence is currently insufficient to determine the role of this variant in disease. Therefore, it has been classified as a Variant of Uncertain Significance.

NM_001085049.3(MRAS):c.272T>C (p.Val91Ala)

Gene: MRAS (muscle RAS oncogene homolog; plus strand). Cytogenetic location: 3q22.3.
Variant type: single nucleotide variant.
Coding change: c.272T>C on transcript NM_001085049.3 (MANE Select); coding-DNA position 272, T replaced by C.
Protein change: p.Val91Ala; replaces valine 91 with alanine.
Molecular consequence: missense variant.
Genome position (GRCh38, 1-based): chr3:138,397,402, T>C. VCF-style: chr3-138397402-T-C. GRCh37 (hg19) VCF-style: chr3-138116244-T-C.
Other names: c.272T>C, p.Val91Ala (NM_001252090.2, NM_012219.4); c.44T>C, p.Val15Ala (NM_001252091.1, NM_001252092.2, NM_001252093.2); short protein forms V91A, V15A.
Identifiers: ClinVar variation 3695138 (VCV003695138.2).